The following is an entry in ClinVar:

ClinVar aggregate classification (germline): Pathogenic/Likely pathogenic. Review status: criteria provided, multiple submitters, no conflicts (2 of 4 stars). 4 submissions from 3 submitters: Pathogenic (1); Likely pathogenic (1). 2 of the submissions do not count toward it. Last evaluated 2019-05-28.

Conditions:
Leukoencephalopathy, progressive, infantile-onset, with or without deafness. Identifiers: MedGen C5542996, MONDO:0030893, OMIM 619147.
Deafness, congenital, and adult-onset progressive leukoencephalopathy. Identifiers: MedGen C5543087, MONDO:0030967, OMIM 619196.
Charcot-Marie-Tooth disease recessive intermediate B. Also called: CHARCOT-MARIE-TOOTH NEUROPATHY, RECESSIVE INTERMEDIATE B. Identifiers: Orphanet 254334, MedGen C3150897, MONDO:0013338, OMIM 613641.
Autosomal recessive nonsyndromic hearing loss 89. Also called: Deafness, autosomal recessive 89. Identifiers: Orphanet 90636, MedGen C3151351, MONDO:0013489, OMIM 613916.
LEUKOENCEPHALOPATHY, PROGRESSIVE, INFANTILE-ONSET, WITH DEAFNESS.

Allele frequency attached by ClinVar (database versions not stated): gnomAD exomes below 0.00001; ExAC 0.00001; gnomAD 0.00001 and 0.00002.
gnomAD v4.1: 9 of 1,613,820 alleles (0.00056%); highest among the groups gnomAD compares: African/African-American, 0.0027%; no homozygotes.

Submissions (4):

Mendelics
Classification: Pathogenic for Autosomal recessive nonsyndromic hearing loss 89. Last evaluated: 2019-05-28. Review status: criteria provided, single submitter. Criteria: Mendelics Assertion Criteria 2017. Collection method: clinical testing. Allele origin: unknown.

Juno Genomics, Hangzhou Juno Genomics, Inc
Classification: Likely pathogenic for Charcot-Marie-Tooth disease recessive intermediate B; Autosomal recessive nonsyndromic hearing loss 89; Deafness, congenital, and adult-onset progressive leukoencephalopathy; Leukoencephalopathy, progressive, infantile-onset, with or without deafness. Review status: criteria provided, single submitter. Criteria: ACMG Guidelines, 2015. Collection method: clinical testing. Allele origin: germline.
Comment: Absent from controls (or at extremely low frequency if recessive) in Genome Aggregation Database.;Well-established in vitro or in vivo functional studies supportive of a damaging effect on the gene or gene product.;For recessive disorders, detected in trans with a pathogenic variant.;Co-segregation with disease in multiple affected family members.

OMIM
Classification: Pathogenic for DEAFNESS, CONGENITAL, AND ADULT-ONSET PROGRESSIVE LEUKOENCEPHALOPATHY. Last evaluated: 2021-03-02. Review status: no assertion criteria provided. Collection method: literature only. Allele origin: germline. Not counted in ClinVar's aggregate classification.

OMIM
Classification: Pathogenic for LEUKOENCEPHALOPATHY, PROGRESSIVE, INFANTILE-ONSET, WITH DEAFNESS. Last evaluated: 2021-03-02. Review status: no assertion criteria provided. Collection method: literature only. Allele origin: germline. Not counted in ClinVar's aggregate classification.

Literature cited by the submitters: PubMed 28887846 (cited by OMIM); PubMed 31116475 (cited by OMIM); PubMed 21427441 (cited by OMIM); PubMed 29615062 (cited by OMIM); PubMed 33260297 (cited by OMIM).

NM_005548.3(KARS1):c.1430G>A (p.Arg477His)

Genes: KARS1 (lysyl-tRNA synthetase 1; minus strand), LOC126862402 (CDK7 strongly-dependent group 2 enhancer GRCh37_chr16:75663368-75664567; plus strand). Cytogenetic location: 16q23.1.
Variant type: single nucleotide variant.
Coding change: c.1430G>A on transcript NM_005548.3 (MANE Select); coding-DNA position 1430, G replaced by A.
Protein change: p.Arg477His; replaces arginine 477 with histidine.
Molecular consequence: missense variant.
Genome position (GRCh38, 1-based): chr16:75,629,536, C>T on the plus strand (G>A on the coding strand, the complement: KARS1 is on the minus strand). VCF-style: chr16-75629536-C-T. GRCh37 (hg19) VCF-style: chr16-75663434-C-T.
Other names: KARS1, ARG477HIS (rs778748895); c.1514G>A, p.Arg505His (NM_001130089.2); c.962G>A, p.Arg321His (NM_001378148.1); short protein forms R477H, R505H, R321H.
Identifiers: ClinVar variation 437931 (VCV000437931.6), dbSNP rs778748895, ClinGen allele CA8177232.